The following is an entry in ClinVar:

NC_000020.10:g.(?_1959939)_(2411693_?)dup

Genes: PDYN (prodynorphin; minus strand), STK35 (serine/threonine kinase 35; plus strand), TGM3 (transglutaminase 3; plus strand), TGM6 (transglutaminase 6; plus strand). Cytogenetic location: 20p13.
Variant type: Duplication.
Identifiers: ClinVar variation 3248350 (VCV003248350.1).

ClinVar aggregate classification (germline): Uncertain significance (1 of 4 stars; one submission).

Submission:

Labcorp Genetics (formerly Invitae), Labcorp
Classification: Uncertain significance. Last evaluated: 2023-07-18. Review status: criteria provided, single submitter. Criteria: Invitae Variant Classification Sherloc (09022015). Collection method: clinical testing. Allele origin: unknown.
Comment: In summary, the available evidence is currently insufficient to determine the role of this variant in disease. Therefore, it has been classified as a Variant of Uncertain Significance. This variant has not been reported in the literature in individuals affected with PDYN-related conditions. A copy number gain of the genomic region encompassing the full coding sequence of the PDYN gene has been identified. The boundaries of this event are unknown as they extend beyond the assayed region for this gene and therefore may encompass additional genes. As the precise location of this event is unknown, it may be in tandem or it may be located elsewhere in the genome.